The following is an entry in ClinVar:

NM_001370658.1(BTD):c.496T>C (p.Cys166Arg)

Gene: BTD (biotinidase; plus strand). Cytogenetic location: 3p25.1.
Variant type: single nucleotide variant.
Coding change: c.496T>C on transcript NM_001370658.1 (MANE Select); coding-DNA position 496, T replaced by C.
Protein change: p.Cys166Arg; replaces cysteine 166 with arginine.
Molecular consequence: missense variant. On other transcripts: intron variant (1).
Genome position (GRCh38, 1-based): chr3:15,644,412, T>C. VCF-style: chr3-15644412-T-C. GRCh37 (hg19) VCF-style: chr3-15685919-T-C.
Other names: c.496T>C, p.Cys166Arg (NM_001407364.1, NM_001407365.1, NM_001407366.1 and 18 more transcripts); c.399+2355T>C (NM_001370753.1); c.556T>C, p.Cys186Arg (NM_000060.4); short protein forms C166R, C186R.
Identifiers: ClinVar variation 1003311 (VCV001003311.10), dbSNP rs955385869, ClinGen allele CA351606362.
Genomic context (GRCh38, chr3:15,644,412, plus strand): 5'-GATATGTTCTTGGTGGCCAATCTTGGGACAAAGGAGCCTTGTCATAGCAGTGACCCAAGG[T>C]GCCCAAAAGATGGGAGATACCAGTTCAACACAAATGTCGTGTTCAGCAATAATGGAACCC-3'
Protein context (NP_001357587.1, residues 156-176): KEPCHSSDPR[Cys166Arg]PKDGRYQFNT

ClinVar aggregate classification (germline): Likely pathogenic (1 of 4 stars; one submission).

Conditions:
Biotinidase deficiency. Also called: Biotin deficiency; BTD deficiency; Late-onset biotin-responsive multiple carboxylase deficiency. Identifiers: Orphanet 79241, MedGen C0220754, MONDO:0009665, OMIM 253260.

Submission:

Labcorp Genetics (formerly Invitae), Labcorp
Classification: Likely pathogenic for Biotinidase deficiency. Last evaluated: 2022-11-29. Review status: criteria provided, single submitter. Criteria: Invitae Variant Classification Sherloc (09022015). Collection method: clinical testing. Allele origin: germline.
Comment: This variant is not present in population databases (gnomAD no frequency). This variant has not been reported in the literature in individuals affected with BTD-related conditions. ClinVar contains an entry for this variant (Variation ID: 1003311). Advanced modeling of protein sequence and biophysical properties (such as structural, functional, and spatial information, amino acid conservation, physicochemical variation, residue mobility, and thermodynamic stability) performed at Invitae indicates that this missense variant is expected to disrupt BTD protein function. This variant disrupts the p.Cys186 amino acid residue in BTD. Other variant(s) that disrupt this residue have been determined to be pathogenic (PMID: 10801053, 23644139, 25754625). This suggests that this residue is clinically significant, and that variants that disrupt this residue are likely to be disease-causing. In summary, the currently available evidence indicates that the variant is pathogenic, but additional data are needed to prove that conclusively. Therefore, this variant has been classified as Likely Pathogenic. This sequence change replaces cysteine, which is neutral and slightly polar, with arginine, which is basic and polar, at codon 186 of the BTD protein (p.Cys186Arg).

Literature cited by the submitters: PubMed 10801053; PubMed 23644139; PubMed 25754625.